The following is an entry in ClinVar:

NM_001100.4(ACTA1):c.521C>G (p.Pro174Arg)

Gene: ACTA1 (actin alpha 1, skeletal muscle; minus strand). Cytogenetic location: 1q42.13.
Variant type: single nucleotide variant.
Coding change: c.521C>G on transcript NM_001100.4 (MANE Select); coding-DNA position 521, C replaced by G.
Protein change: p.Pro174Arg; replaces proline 174 with arginine.
Molecular consequence: missense variant.
Genome position (GRCh38, 1-based): chr1:229,432,365, G>C on the plus strand (C>G on the coding strand, the complement: ACTA1 is on the minus strand). VCF-style: chr1-229432365-G-C. GRCh37 (hg19) VCF-style: chr1-229568112-G-C.
Other names: short protein forms P174R.
Identifiers: ClinVar variation 429225 (VCV000429225.2), dbSNP rs1057519311, ClinGen allele CA345148469.
Genomic context (GRCh38, chr1:229,432,365, plus strand): 5'-ATCTTCATCAGGTAGTCGGTGAGATCGCGGCCCGCCAGGTCCAGGCGCATGATGGCGTGC[G>C]GCAGCGCGTAGCCCTCATAAATGGGCACGTTGTGGGTGACGCCGTCGCCGGAGTCCAGCA-3'
Protein context (NP_001091.1, residues 164-184): NVPIYEGYAL[Pro174Arg]HAIMRLDLAG

ClinVar aggregate classification (germline): Uncertain significance (1 of 4 stars; one submission).

Submission:

GeneDx
Classification: Uncertain significance. Last evaluated: 2017-04-21. Review status: criteria provided, single submitter. Criteria: GeneDx Variant Classification (06012015). Collection method: clinical testing. Allele origin: germline. Affected: yes.
Comment: The P174R variant has not been published as a pathogenic variant, nor has it been reported as a benign variant to our knowledge. The P174R variant is not observed in large population cohorts (Lek et al., 2016; 1000 Genomes Consortium et al., 2015; Exome Variant Server). This variant is a non-conservative amino acid substitution, which is likely to impact secondary protein structure as these residues differ in polarity, charge, size and/or other properties. This substitution occurs at a position that is conserved across species, and missense variants in a nearby residue (A172E/G) have been reported in the Human Gene Mutation Database in association with nemaline myopathy (Stenson et al., 2014). In silico analysis predicts this variant is probably damaging to the protein structure/function